The following is an entry in ClinVar:

NM_000238.4(KCNH2):c.2312A>G (p.His771Arg)

Gene: KCNH2 (potassium voltage-gated channel subfamily H member 2; minus strand). Cytogenetic location: 7q36.1.
Variant type: single nucleotide variant.
Coding change: c.2312A>G on transcript NM_000238.4 (MANE Select); coding-DNA position 2312, A replaced by G.
Protein change: p.His771Arg; replaces histidine 771 with arginine.
Molecular consequence: missense variant.
Genome position (GRCh38, 1-based): chr7:150,950,254, T>C on the plus strand (A>G on the coding strand, the complement: KCNH2 is on the minus strand). VCF-style: chr7-150950254-T-C. GRCh37 (hg19) VCF-style: chr7-150647342-T-C.
Other names: c.1292A>G, p.His431Arg (NM_001204798.2, NM_172057.3); c.2024A>G, p.His675Arg (NM_001406753.1, NM_001406756.1); c.2135A>G, p.His712Arg (NM_001406755.1); c.2012A>G, p.His671Arg (NM_001406757.1); c.2312A>G, p.His771Arg (NM_172056.3); short protein forms H431R, H771R, H675R, H712R, H671R.
Identifiers: ClinVar variation 405338 (VCV000405338.13), dbSNP rs1060500659, ClinGen allele CA16612046.

ClinVar aggregate classification (germline): Conflicting classifications of pathogenicity. Review status: criteria provided, conflicting classifications (1 of 4 stars). 3 submissions from 3 submitters: Likely pathogenic (1); Uncertain significance (2). Last evaluated 2024-06-06.

Conditions:
Cardiovascular phenotype. Identifiers: MedGen CN230736.
Long QT syndrome (LQTS). Identifiers: MedGen C0023976, MeSH D008133, MONDO:0002442. Disease mechanism: loss of function. Inheritance: Various modes of inheritance.

Submissions (3):

Women's Health and Genetics/Laboratory Corporation of America, LabCorp
Classification: Uncertain significance. Last evaluated: 2024-06-06. Review status: criteria provided, single submitter. Criteria: LabCorp Variant Classification Summary - May 2015. Collection method: clinical testing. Allele origin: germline.
Comment: Variant summary: KCNH2 c.2312A>G (p.His771Arg) results in a non-conservative amino acid change located in the Cyclic nucleotide-binding domain (IPR000595) of the encoded protein sequence. Four of five in-silico tools predict a damaging effect of the variant on protein function. The variant was absent in 250896 control chromosomes (gnomAD). The available data on variant occurrences in the general population are insufficient to allow any conclusion about variant significance. c.2312A>G has been reported in the literature in individuals affected with Long QT syndrome (Stattin_2012, Bennett_2019). These reports do not provide unequivocal conclusions about association of the variant with Arrhythmia. To our knowledge, no experimental evidence demonstrating an impact on protein function has been reported. The following publications have been ascertained in the context of this evaluation (PMID: 31535183, 37324772, 34309407, 23098067). ClinVar contains an entry for this variant (Variation ID: 405338). Based on the evidence outlined above, the variant was classified as uncertain significance.

Ambry Genetics
Classification: Likely pathogenic for Cardiovascular phenotype. Last evaluated: 2023-11-01. Review status: criteria provided, single submitter. Criteria: Ambry Variant Classification Scheme 2023. Collection method: clinical testing. Allele origin: germline.
Comment: The p.H771R variant (also known as c.2312A>G), located in coding exon 9 of the KCNH2 gene, results from an A to G substitution at nucleotide position 2312. The histidine at codon 771 is replaced by arginine, an amino acid with highly similar properties. This variant has been reported in individuals with long QT syndrome (LQTS), including several affected members from one family, as well as in a LQTS clinical genetic testing cohort with limited clinical details provided (Ambry internal data; Stattin EL et al. BMC Cardiovasc Disord, 2012 Oct;12:95; Bennett JS et al. Pediatr Cardiol, 2019 Dec;40:1679-1687). This variant is considered to be rare based on population cohorts in the Genome Aggregation Database (gnomAD). This amino acid position is highly conserved in available vertebrate species. In addition, this alteration is predicted to be deleterious by in silico analysis. Based on the majority of available evidence to date, this variant is likely to be pathogenic.

Labcorp Genetics (formerly Invitae), Labcorp
Classification: Uncertain significance for Long QT syndrome. Last evaluated: 2022-03-21. Review status: criteria provided, single submitter. Criteria: Invitae Variant Classification Sherloc (09022015). Collection method: clinical testing. Allele origin: germline.
Comment: This sequence change replaces histidine, which is basic and polar, with arginine, which is basic and polar, at codon 771 of the KCNH2 protein (p.His771Arg). This variant is not present in population databases (gnomAD no frequency). This missense change has been observed in individual(s) with clinical features of long QT syndrome (PMID: 23098067, 31535183; Invitae). It has also been observed to segregate with disease in related individuals. ClinVar contains an entry for this variant (Variation ID: 405338). Algorithms developed to predict the effect of missense changes on protein structure and function are either unavailable or do not agree on the potential impact of this missense change (SIFT: "Deleterious"; PolyPhen-2: "Probably Damaging"; Align-GVGD: "Class C0"). Algorithms developed to predict the effect of sequence changes on RNA splicing suggest that this variant may create or strengthen a splice site. In summary, the available evidence is currently insufficient to determine the role of this variant in disease. Therefore, it has been classified as a Variant of Uncertain Significance.

Literature cited by the submitters: PubMed 23098067 (cited by 3 submitters); PubMed 31535183 (cited by 3 submitters); PubMed 34309407 (cited by Women's Health and Genetics/Laboratory Corporation of America, LabCorp); PubMed 37324772 (cited by Women's Health and Genetics/Laboratory Corporation of America, LabCorp).